The following is an entry in ClinVar:

NM_006514.4(SCN10A):c.2939C>T (p.Pro980Leu)

Genes: SCN10A (sodium voltage-gated channel alpha subunit 10; minus strand), LOC110121288 (VISTA enhancer hs2268; plus strand). Cytogenetic location: 3p22.2.
Variant type: single nucleotide variant.
Coding change: c.2939C>T on transcript NM_006514.4 (MANE Select); coding-DNA position 2939, C replaced by T.
Protein change: p.Pro980Leu; replaces proline 980 with leucine.
Molecular consequence: missense variant.
Genome position (GRCh38, 1-based): chr3:38,726,754, G>A on the plus strand (C>T on the coding strand, the complement: SCN10A is on the minus strand). VCF-style: chr3-38726754-G-A. GRCh37 (hg19) VCF-style: chr3-38768245-G-A.
Other names: p.Pro980Leu; c.2939C>T, p.Pro980Leu (NM_001293306.2); c.2645C>T, p.Pro882Leu (NM_001293307.2); c.2939C>T (NM_006514.2); short protein forms P980L, P882L.
Identifiers: ClinVar variation 950330 (VCV000950330.10), dbSNP rs751340142, ClinGen allele CA2320397.

ClinVar aggregate classification (germline): Uncertain significance. Review status: criteria provided, multiple submitters, no conflicts (2 of 4 stars). 3 submissions from 3 submitters: Uncertain significance (3). Last evaluated 2025-06-16.

Conditions:
Brugada syndrome. Also called: Sudden Unexplained Death Syndrome; Sudden Unexplained Nocturnal Death Syndrome (SUNDS); Sudden unexpected nocturnal death syndrome; Sudden unexplained nocturnal death syndrome. Identifiers: Orphanet 130, MedGen C1142166, MONDO:0015263.
Cardiovascular phenotype. Identifiers: MedGen CN230736.

Allele frequency attached by ClinVar (database versions not stated): gnomAD exomes 0.00001 and 0.00004; TOPMed 0.00001; ExAC 0.00002.

Submissions (3):

Ambry Genetics
Classification: Uncertain significance for Cardiovascular phenotype. Last evaluated: 2025-06-16. Review status: criteria provided, single submitter. Criteria: Ambry Variant Classification Scheme 2023. Collection method: clinical testing. Allele origin: germline.
Comment: The p.P980L variant (also known as c.2939C>T), located in coding exon 16 of the SCN10A gene, results from a C to T substitution at nucleotide position 2939. The proline at codon 980 is replaced by leucine, an amino acid with similar properties. This amino acid position is well conserved in available vertebrate species. In addition, this alteration is predicted to be tolerated by in silico analysis. The evidence for this gene-disease relationship is limited; therefore, the clinical significance of this alteration is unclear.

Mayo Clinic Laboratories, Mayo Clinic
Classification: Uncertain significance. Last evaluated: 2024-04-25. Review status: criteria provided, single submitter. Criteria: ACMG Guidelines, 2015. Collection method: clinical testing. Allele origin: germline. Observed: 1 variant allele.
Comment: BP4

Labcorp Genetics (formerly Invitae), Labcorp
Classification: Uncertain significance for Brugada syndrome. Last evaluated: 2024-04-05. Review status: criteria provided, single submitter. Criteria: Invitae Variant Classification Sherloc (09022015). Collection method: clinical testing. Allele origin: germline.
Comment: This sequence change replaces proline, which is neutral and non-polar, with leucine, which is neutral and non-polar, at codon 980 of the SCN10A protein (p.Pro980Leu). This variant is present in population databases (rs751340142, gnomAD 0.003%). This variant has not been reported in the literature in individuals affected with SCN10A-related conditions. ClinVar contains an entry for this variant (Variation ID: 950330). Advanced modeling of protein sequence and biophysical properties (such as structural, functional, and spatial information, amino acid conservation, physicochemical variation, residue mobility, and thermodynamic stability) performed at Invitae indicates that this missense variant is not expected to disrupt SCN10A protein function with a negative predictive value of 80%. In summary, the available evidence is currently insufficient to determine the role of this variant in disease. Therefore, it has been classified as a Variant of Uncertain Significance.